The following is an entry in ClinVar:

ClinVar aggregate classification (germline): Pathogenic (1 of 4 stars; one submission).

Allele frequency attached by ClinVar (database versions not stated): TOPMed below 0.00001.

Submission:

GeneDx
Classification: Pathogenic. Last evaluated: 2025-04-14. Review status: criteria provided, single submitter. Criteria: GeneDx Variant Classification Process June 2021. Collection method: clinical testing. Allele origin: germline. Affected: yes.
Comment: Not observed at significant frequency in large population cohorts (gnomAD); Has not been previously published as pathogenic or benign to our knowledge; Nonsense variant predicted to result in protein truncation or nonsense mediated decay in a gene for which loss of function is a known mechanism of disease

NM_145246.5(FRA10AC1):c.103C>T (p.Gln35Ter)

Gene: FRA10AC1 (FRA10A associated CGG repeat 1; minus strand). Cytogenetic location: 10q23.33.
Variant type: single nucleotide variant.
Coding change: c.103C>T on transcript NM_145246.5 (MANE Select); coding-DNA position 103, C replaced by T.
Protein change: p.Gln35Ter; replaces glutamine 35 with a stop codon.
Molecular consequence: nonsense. On other transcripts: non-coding transcript variant (1).
Genome position (GRCh38, 1-based): chr10:93,698,371, G>A on the plus strand (C>T on the coding strand, the complement: FRA10AC1 is on the minus strand). VCF-style: chr10-93698371-G-A. GRCh37 (hg19) VCF-style: chr10-95458128-G-A.
Other names: c.103C>T, p.Gln35Ter (NM_001347712.2, NM_001347713.2, NM_001347714.2 and 1 more transcripts); short protein forms Q35*.
Identifiers: ClinVar variation 2504404 (VCV002504404.3), dbSNP rs2059270260, ClinGen allele CA377614310.